The following is an entry in ClinVar:

ClinVar aggregate classification (germline): Conflicting classifications of pathogenicity. Review status: criteria provided, conflicting classifications (1 of 4 stars). 3 submissions from 3 submitters: Pathogenic (1); Uncertain significance (2). Last evaluated 2022-02-04.

Conditions:
Familial adenomatous polyposis 1 (FAP1). Also called: POLYPOSIS, ADENOMATOUS INTESTINAL; FAMILIAL ADENOMATOUS POLYPOSIS 1, ATTENUATED. Identifiers: MedGen C2713442, MONDO:0021056, OMIM 175100. Disease mechanism: loss of function.
Colorectal cancer, susceptibility to. Identifiers: MedGen C1858438.
Hereditary cancer-predisposing syndrome. Also called: Tumor predisposition; Hereditary neoplastic syndrome; Neoplastic Syndromes, Hereditary; Hereditary Cancer Syndrome. Identifiers: Orphanet 140162, MedGen C0027672, MeSH D009386, MONDO:0015356.

Submissions (3):

Labcorp Genetics (formerly Invitae), Labcorp
Classification: Uncertain significance for Familial adenomatous polyposis 1. Last evaluated: 2022-02-04. Review status: criteria provided, single submitter. Criteria: Invitae Variant Classification Sherloc (09022015). Collection method: clinical testing. Allele origin: germline.
Comment: In summary, the available evidence is currently insufficient to determine the role of this variant in disease. Therefore, it has been classified as a Variant of Uncertain Significance. Experimental studies and prediction algorithms are not available or were not evaluated, and the functional significance of this variant is currently unknown. ClinVar contains an entry for this variant (Variation ID: 224555). This variant has not been reported in the literature in individuals affected with APC-related conditions. This variant is not present in population databases (gnomAD no frequency). This sequence change creates a premature translational stop signal (p.Tyr2838*) in the APC gene. While this is not anticipated to result in nonsense mediated decay, it is expected to disrupt the last 6 amino acid(s) of the APC protein.

Ambry Genetics
Classification: Pathogenic for Hereditary cancer-predisposing syndrome. Last evaluated: 2021-11-30. Review status: criteria provided, single submitter. Criteria: Ambry Variant Classification Scheme 2023. Collection method: clinical testing. Allele origin: germline.
Comment: The c.8513dupA pathogenic mutation, located in coding exon 15 of the APC gene, results from a duplication of A at nucleotide position 8513, causing a translational frameshift with a predicted alternate stop codon (p.Y2838*). This alteration occurs at the 3' terminus of theAPC gene, is not expected to trigger nonsense-mediated mRNA decay, and only impacts the last 6 amino acids of the protein. However, premature stop codons are typically deleterious in nature and the impacted region is critical for protein function (Ambry internal data). In addition, this mutation, as well as two other alterations resulting in the same premature truncation (c.8514C>A and c.8514C>G) have been identified in individuals with familial adenomatous polyposis (Ambry internal data; personal communication). This variant is considered to be rare based on population cohorts in the Genome Aggregation Database (gnomAD). Based on the supporting evidence, this alteration is interpreted as a disease-causing mutation.

University of Washington Department of Laboratory Medicine, University of Washington
Classification: Uncertain significance for Colorectal cancer, susceptibility to. Last evaluated: 2015-11-20. Review status: criteria provided, single submitter. Criteria: Shirts et al. (Genet Med 2016). Collection method: clinical testing. Allele origin: germline. Observed: 1 variant allele.

NM_000038.6(APC):c.8513dup (p.Tyr2838Ter)

Gene: APC (APC regulator of Wnt signaling pathway; plus strand). Cytogenetic location: 5q22.2.
Variant type: Duplication.
Coding change: c.8513dup on transcript NM_000038.6 (MANE Select); coding-DNA position 8513, one base duplicated (A; older notation c.8513dupA).
Protein change: p.Tyr2838Ter; replaces tyrosine 2838 with a stop codon.
Molecular consequence: nonsense.
Genome position (GRCh38, 1-based): chr5:112,844,107, A duplicated. VCF-style (leftmost placement, unchanged base first): chr5-112844106-T-TA. GRCh37 (hg19) VCF-style: chr5-112179803-T-TA.
Other names: c.8513dup, p.Tyr2838Ter (NM_001127510.3, NM_001354895.2); c.8459dup, p.Tyr2820Ter (NM_001127511.3); c.8567dup, p.Tyr2856Ter (NM_001354896.2); c.8543dup, p.Tyr2848Ter (NM_001354897.2); c.8438dup, p.Tyr2813Ter (NM_001354898.2); c.8429dup, p.Tyr2810Ter (NM_001354899.2); c.8390dup, p.Tyr2797Ter (NM_001354900.2); c.8336dup, p.Tyr2779Ter (NM_001354901.2); and 6 more; short protein forms Y2797*, Y2810*, Y2838*, Y2848*, Y2747*, Y2813*, Y2856*, Y2555*.
Identifiers: ClinVar variation 224555 (VCV000224555.15), dbSNP rs869312786, ClinGen allele CA353490.